The following is an entry in ClinVar:

ClinVar aggregate classification (germline): Uncertain significance. Review status: criteria provided, multiple submitters, no conflicts (2 of 4 stars). 3 submissions from 3 submitters: Uncertain significance (3). Last evaluated 2025-04-21.

Conditions:
Inborn genetic diseases. Identifiers: MedGen C0950123, MeSH D030342.

Allele frequency attached by ClinVar (database versions not stated): ExAC 0.00001; gnomAD 0.00001; TOPMed 0.00001; gnomAD exomes 0.00002 and 0.00003.

Submissions (3):

Mayo Clinic Laboratories, Mayo Clinic
Classification: Uncertain significance. Last evaluated: 2025-04-21. Review status: criteria provided, single submitter. Criteria: ACMG Guidelines, 2015. Collection method: clinical testing. Allele origin: germline. Observed: 1 variant allele.
Comment: BP4

Ambry Genetics
Classification: Uncertain significance for Inborn genetic diseases. Last evaluated: 2023-12-21. Review status: criteria provided, single submitter. Criteria: Ambry Variant Classification Scheme 2023. Collection method: clinical testing. Allele origin: germline.

Labcorp Genetics (formerly Invitae), Labcorp
Classification: Uncertain significance. Last evaluated: 2021-08-08. Review status: criteria provided, single submitter. Criteria: Invitae Variant Classification Sherloc (09022015). Collection method: clinical testing. Allele origin: germline.
Comment: This sequence change replaces lysine with arginine at codon 188 of the ARPC1B protein (p.Lys188Arg). The lysine residue is highly conserved and there is a small physicochemical difference between lysine and arginine. This variant is present in population databases (rs781780782, ExAC 0.002%). This variant has not been reported in the literature in individuals affected with ARPC1B-related conditions. Algorithms developed to predict the effect of missense changes on protein structure and function are either unavailable or do not agree on the potential impact of this missense change (SIFT: "Tolerated"; PolyPhen-2: "Possibly Damaging"; Align-GVGD: "Class C0"). Algorithms developed to predict the effect of sequence changes on RNA splicing suggest that this variant may create or strengthen a splice site. In summary, the available evidence is currently insufficient to determine the role of this variant in disease. Therefore, it has been classified as a Variant of Uncertain Significance.

NM_005720.4(ARPC1B):c.563A>G (p.Lys188Arg)

Gene: ARPC1B (actin related protein 2/3 complex subunit 1B; plus strand). Cytogenetic location: 7q22.1.
Variant type: single nucleotide variant.
Coding change: c.563A>G on transcript NM_005720.4 (MANE Select); coding-DNA position 563, A replaced by G.
Protein change: p.Lys188Arg; replaces lysine 188 with arginine.
Molecular consequence: missense variant.
Genome position (GRCh38, 1-based): chr7:99,390,955, A>G. VCF-style: chr7-99390955-A-G. GRCh37 (hg19) VCF-style: chr7-98988578-A-G.
Other names: p.Lys188Arg; c.563A>G (NM_005720.3); short protein forms K188R.
Identifiers: ClinVar variation 1447104 (VCV001447104.5), dbSNP rs781780782, ClinGen allele CA4364059.